The following is an entry in ClinVar:

NM_001080779.2(MYO1C):c.2070G>A (p.Pro690=)

Gene: MYO1C (myosin IC; minus strand). Cytogenetic location: 17p13.3.
Variant type: single nucleotide variant.
Coding change: c.2070G>A on transcript NM_001080779.2 (MANE Select); coding-DNA position 2070, G replaced by A.
Protein change: p.Pro690=; no amino-acid change (proline 690 retained).
Molecular consequence: synonymous variant.
Genome position (GRCh38, 1-based): chr17:1,471,288, C>T on the plus strand (G>A on the coding strand, the complement: MYO1C is on the minus strand). VCF-style: chr17-1471288-C-T. GRCh37 (hg19) VCF-style: chr17-1374582-C-T.
Other names: c.2013G>A, p.Pro671= (NM_001080950.2); c.1998G>A, p.Pro666= (NM_001363855.1); c.1965G>A, p.Pro655= (NM_033375.5).
Identifiers: ClinVar variation 3038484 (VCV003038484.2), dbSNP rs760133195, ClinGen allele CA8267186.
Genomic context (GRCh38, chr17:1,471,288, plus strand): 5'-CATCTTGTACTCTTCTGGCTTGTAGCCCAGGTGTCGGACCAGCACAGCCACCCCATCCTG[C>T]GGCCGTCCTGCCCACGTGGGCCACGTCTCTGGGCACAGTGACTTGTACCTGGGGACAGGA-3'
Protein context (NP_001074248.1, residues 680-700): PETWPTWAGR[Pro690=]QDGVAVLVRH

ClinVar aggregate classification (germline): Likely benign (0 of 4 stars; one submission).

Conditions:
MYO1C-related disorder. Also called: MYO1C-related condition.

Allele frequency attached by ClinVar (database versions not stated): gnomAD 0.00001; ExAC 0.00002.
gnomAD v4.1: 22 of 1,613,892 alleles (0.0014%); highest among the groups gnomAD compares: Admixed American, 0.0033%; no homozygotes.

Submission:

PreventionGenetics, part of Exact Sciences
Classification: Likely benign for MYO1C-related condition. Last evaluated: 2019-05-24. Review status: no assertion criteria provided. Collection method: clinical testing. Allele origin: germline.
Comment: This variant is classified as likely benign based on ACMG/AMP sequence variant interpretation guidelines (Richards et al. 2015 PMID: 25741868, with internal and published modifications).